The following is an entry in ClinVar:

NM_007294.4(BRCA1):c.532G>C (p.Val178Leu)

Gene: BRCA1 (BRCA1 DNA repair associated; minus strand). Cytogenetic location: 17q21.31.
Variant type: single nucleotide variant.
Coding change: c.532G>C on transcript NM_007294.4 (MANE Select); coding-DNA position 532, G replaced by C.
Protein change: p.Val178Leu; replaces valine 178 with leucine.
Molecular consequence: missense variant. On other transcripts: non-coding transcript variant (1).
Genome position (GRCh38, 1-based): chr17:43,099,790, C>G on the plus strand (G>C on the coding strand, the complement: BRCA1 is on the minus strand). VCF-style: chr17-43099790-C-G. GRCh37 (hg19) VCF-style: chr17-41251807-C-G.
Other names: c.532G>C, p.Val178Leu (NM_001408406.1, NM_001407581.1, NM_001407582.1 and 97 more transcripts); c.529G>C, p.Val177Leu (NM_001408407.1, NM_001407587.1, NM_001407590.1 and 65 more transcripts); c.451G>C, p.Val151Leu (NM_001408413.1, NM_001407659.1, NM_001407660.1 and 6 more transcripts); c.454G>C, p.Val152Leu (NM_001408409.1, NM_001408411.1, NM_001408412.1 and 12 more transcripts); c.391G>C, p.Val131Leu (NM_001408410.1, NM_001407751.1, NM_001407752.1 and 61 more transcripts); c.523G>C, p.Val175Leu (NM_001408408.1, NM_001407646.1, NM_001407647.1); c.319G>C, p.Val107Leu (NM_001407571.1, NM_001407853.1, NM_001407894.1 and 18 more transcripts); c.388G>C, p.Val130Leu (NM_001407838.1, NM_001407839.1, NM_001407841.1 and 35 more transcripts); and 4 more; short protein forms V178L, V131L, V107L, V108L, V130L, V175L, V177L, V133L.
Identifiers: ClinVar variation 479255 (VCV000479255.13), dbSNP rs1259369962, ClinGen allele CA10601077.

ClinVar aggregate classification (germline): Uncertain significance. Review status: criteria provided, multiple submitters, no conflicts (2 of 4 stars). 3 submissions from 3 submitters: Uncertain significance (3). Last evaluated 2024-03-03.

Conditions:
Hereditary breast ovarian cancer syndrome. Also called: Hereditary breast and ovarian cancer syndrome (HBOC); Hereditary breast and ovarian cancer syndrome; Breast and ovarian cancer; BRCA1- and BRCA2-Associated Hereditary Breast and Ovarian Cancer; Hereditary breast and ovarian cancer; Hereditary breast and/or ovarian cancer syndrome. Identifiers: Orphanet 145, MedGen C0677776, MeSH D061325, MONDO:0003582. Disease mechanism: loss of function.
Hereditary cancer-predisposing syndrome. Also called: Neoplastic Syndromes, Hereditary; Hereditary Cancer Syndrome; Hereditary neoplastic syndrome; Tumor predisposition. Identifiers: Orphanet 140162, MedGen C0027672, MeSH D009386, MONDO:0015356.

Allele frequency attached by ClinVar (database versions not stated): gnomAD 0.00001.
gnomAD v4.1: 2 of 1,609,352 alleles (0.00012%); highest among the groups gnomAD compares: East Asian, 0.0022%; no homozygotes.

Submissions (3):

Ambry Genetics
Classification: Uncertain significance for Hereditary cancer-predisposing syndrome. Last evaluated: 2024-03-03. Review status: criteria provided, single submitter. Criteria: Ambry Variant Classification Scheme 2023. Collection method: clinical testing. Allele origin: germline.
Comment: The p.V178L variant (also known as c.532G>C), located in coding exon 6 of the BRCA1 gene, results from a G to C substitution at nucleotide position 532. The valine at codon 178 is replaced by leucine, an amino acid with highly similar properties. This amino acid position is highly conserved in available vertebrate species. In addition, this alteration is predicted to be deleterious by in silico analysis. Since supporting evidence is limited at this time, the clinical significance of this alteration remains unclear.

Labcorp Genetics (formerly Invitae), Labcorp
Classification: Uncertain significance for Hereditary breast ovarian cancer syndrome. Last evaluated: 2022-04-18. Review status: criteria provided, single submitter. Criteria: Invitae Variant Classification Sherloc (09022015). Collection method: clinical testing. Allele origin: germline.
Comment: In summary, the available evidence is currently insufficient to determine the role of this variant in disease. Therefore, it has been classified as a Variant of Uncertain Significance. Advanced modeling of protein sequence and biophysical properties (such as structural, functional, and spatial information, amino acid conservation, physicochemical variation, residue mobility, and thermodynamic stability) performed at Invitae indicates that this missense variant is not expected to disrupt BRCA1 protein function. ClinVar contains an entry for this variant (Variation ID: 479255). This variant has not been reported in the literature in individuals affected with BRCA1-related conditions. This variant is present in population databases (no rsID available, gnomAD 0.06%). This sequence change replaces valine, which is neutral and non-polar, with leucine, which is neutral and non-polar, at codon 178 of the BRCA1 protein (p.Val178Leu).

Color Diagnostics, LLC DBA Color Health
Classification: Uncertain significance for Hereditary cancer-predisposing syndrome. Last evaluated: 2022-03-18. Review status: criteria provided, single submitter. Criteria: ACMG Guidelines, 2015. Collection method: clinical testing. Allele origin: germline.
Comment: This missense variant replaces valine with leucine at codon 178 of the BRCA1 protein. Computational prediction is inconclusive regarding the impact of this variant on protein structure and function (internally defined REVEL score threshold 0.5 < inconclusive < 0.7, PMID: 27666373). A functional study has reported that this variant does not impact BRCA1 function in a homology-directed repair assay (PMID: 30219179). This variant has been detected in a breast cancer case-control meta-analysis in 0/60463 cases and 1/53461 unaffected individuals (PMID: 33471991; Leiden Open Variation Database DB-ID BRCA1_006564). This variant has been identified in 1/31400 chromosomes in the general population by the Genome Aggregation Database (gnomAD). The available evidence is insufficient to determine the role of this variant in disease conclusively. Therefore, this variant is classified as a Variant of Uncertain Significance.

Literature cited by the submitters: PubMed 30219179 (cited by Color Diagnostics, LLC DBA Color Health); PubMed 33471991 (cited by Color Diagnostics, LLC DBA Color Health).